The following is an entry in ClinVar:

ClinVar aggregate classification (germline): Uncertain significance. Review status: criteria provided, multiple submitters, no conflicts (2 of 4 stars). 2 submissions from 2 submitters: Uncertain significance (2). Last evaluated 2024-09-24.

Conditions:
Autosomal recessive limb-girdle muscular dystrophy type 2Y (MRRSDC). Also called: Muscular dystrophy, limb-girdle, type 2y; Muscular dystrophy, autosomal recessive, with rigid spine and distal joint contractures. Identifiers: Orphanet 424261, MedGen C4511482, MONDO:0014900, OMIM 617072.

Allele frequency attached by ClinVar (database versions not stated): ExAC 0.00002; gnomAD exomes 0.00001; gnomAD 0.00001; TOPMed 0.00001.
gnomAD v4.1: 6 of 1,520,494 alleles (0.00039%); highest among the groups gnomAD compares: Admixed American, 0.0023%; no homozygotes.

Submissions (2):

GeneDx
Classification: Uncertain significance. Last evaluated: 2024-09-24. Review status: criteria provided, single submitter. Criteria: GeneDx Variant Classification Process June 2021. Collection method: clinical testing. Allele origin: germline. Affected: yes.
Comment: Not observed at significant frequency in large population cohorts (gnomAD); In silico analysis indicates that this missense variant does not alter protein structure/function; Has not been previously published as pathogenic or benign to our knowledge

Labcorp Genetics (formerly Invitae), Labcorp
Classification: Uncertain significance for Autosomal recessive limb-girdle muscular dystrophy type 2Y. Last evaluated: 2021-10-18. Review status: criteria provided, single submitter. Criteria: Invitae Variant Classification Sherloc (09022015). Collection method: clinical testing. Allele origin: germline.
Comment: In summary, the available evidence is currently insufficient to determine the role of this variant in disease. Therefore, it has been classified as a Variant of Uncertain Significance. Algorithms developed to predict the effect of missense changes on protein structure and function are either unavailable or do not agree on the potential impact of this missense change (SIFT: "Deleterious"; PolyPhen-2: "Probably Damaging"; Align-GVGD: "Class C0"). This variant has not been reported in the literature in individuals affected with TOR1AIP1-related conditions. This variant is present in population databases (rs750432849, ExAC 0.003%). This sequence change replaces glutamic acid with lysine at codon 27 of the TOR1AIP1 protein (p.Glu27Lys). The glutamic acid residue is weakly conserved and there is a small physicochemical difference between glutamic acid and lysine.

NM_015602.4(TOR1AIP1):c.79G>A (p.Glu27Lys)

Genes: TOR1AIP1 (torsin 1A interacting protein 1; plus strand), LOC112577517 (Sharpr-MPRA regulatory region 13766; plus strand). Cytogenetic location: 1q25.2.
Variant type: single nucleotide variant.
Coding change: c.79G>A on transcript NM_015602.4 (MANE Select); coding-DNA position 79, G replaced by A.
Protein change: p.Glu27Lys; replaces glutamic acid 27 with lysine.
Molecular consequence: missense variant.
Genome position (GRCh38, 1-based): chr1:179,882,581, G>A. VCF-style: chr1-179882581-G-A. GRCh37 (hg19) VCF-style: chr1-179851716-G-A.
Other names: c.79G>A, p.Glu27Lys (NM_001267578.2); c.79G>A (NM_001267578.1); short protein forms E27K.
Identifiers: ClinVar variation 1347435 (VCV001347435.5), dbSNP rs750432849, ClinGen allele CA1268641.
Genomic context (GRCh38, chr1:179,882,581, plus strand): 5'-CGGGCAGAGGCGGTGCGGGAAGGATGGGGTGTGTACGTCACCCCCAGGGCCCCCATCCGA[G>A]AGGGAAGGGGCCGGCTCGCCCCTCAAAATGGCGGCAGCAGCGATGCGCCTGCGTACAGAA-3'
Protein context (NP_056417.2, residues 17-37): VYVTPRAPIR[Glu27Lys]GRGRLAPQNG